The following is an entry in ClinVar:

NM_006129.5(BMP1):c.2430G>T (p.Gly810=)

Gene: BMP1 (bone morphogenetic protein 1; plus strand). Cytogenetic location: 8p21.3.
Variant type: single nucleotide variant.
Coding change: c.2430G>T on transcript NM_006129.5 (MANE Select); coding-DNA position 2430, G replaced by T.
Protein change: p.Gly810=; no amino-acid change (glycine 810 retained).
Molecular consequence: synonymous variant. On other transcripts: non-coding transcript variant (1).
Genome position (GRCh38, 1-based): chr8:22,207,371, G>T. VCF-style: chr8-22207371-G-T. GRCh37 (hg19) VCF-style: chr8-22064884-G-T.
Identifiers: ClinVar variation 362596 (VCV000362596.14), dbSNP rs374092044, ClinGen allele CA4665242.

ClinVar aggregate classification (germline): Conflicting classifications of pathogenicity. Review status: criteria provided, conflicting classifications (1 of 4 stars). 4 submissions from 4 submitters: Uncertain significance (1); Likely benign (2). 1 of the submissions does not count toward it. Last evaluated 2025-07-28.

Conditions:
BMP1-related disorder. Also called: BMP1-related condition.
Osteogenesis imperfecta type 13. Also called: OI, TYPE XIII; Osteogenesis imperfecta, type xiii. Identifiers: Orphanet 666, MedGen C3553887, MONDO:0013924, OMIM 614856.

Allele frequency attached by ClinVar (database versions not stated): TOPMed 0.00004; ESP Exome Variant Server 0.00008; ExAC 0.00011.
gnomAD v4.1: 25 of 1,614,100 alleles (0.0015%); highest among the groups gnomAD compares: Admixed American, 0.025%; no homozygotes.

Submissions (4):

Labcorp Genetics (formerly Invitae), Labcorp
Classification: Likely benign. Last evaluated: 2025-07-28. Review status: criteria provided, single submitter. Criteria: Invitae Variant Classification Sherloc (09022015). Collection method: clinical testing. Allele origin: germline.

GeneDx
Classification: Likely benign. Last evaluated: 2021-06-21. Review status: criteria provided, single submitter. Criteria: GeneDx Variant Classification Process June 2021. Collection method: clinical testing. Allele origin: germline. Affected: yes.

Illumina Laboratory Services, Illumina
Classification: Uncertain significance for Osteogenesis imperfecta type 13. Last evaluated: 2018-01-12. Review status: criteria provided, single submitter. Criteria: ICSL Variant Classification Criteria 13 December 2019. Collection method: clinical testing. Allele origin: germline.

PreventionGenetics, part of Exact Sciences
Classification: Likely benign for BMP1-related condition. Last evaluated: 2019-05-08. Review status: no assertion criteria provided. Collection method: clinical testing. Allele origin: germline. Not counted in ClinVar's aggregate classification.
Comment: This variant is classified as likely benign based on ACMG/AMP sequence variant interpretation guidelines (Richards et al. 2015 PMID: 25741868, with internal and published modifications).